The following is an entry in ClinVar:

NM_000317.3(PTS):c.83+171_164-31del

Genes: PTS (6-pyruvoyltetrahydropterin synthase; plus strand), LOC124625838 (Sharpr-MPRA regulatory region 3969; plus strand), LOC130006765 (ATAC-STARR-seq lymphoblastoid silent region 3906; plus strand). Cytogenetic location: 11q23.1.
Variant type: Deletion.
Coding change: c.83+171_164-31del on transcript NM_000317.3 (MANE Select); 171 bases into the intron after coding-DNA position 83 through 31 bases into the intron before coding-DNA position 164, 3,481 bases deleted.
Molecular consequence: splice acceptor variant, splice donor variant.
Genome position (GRCh38, 1-based): chr11:112,226,697-112,230,177, 3,481 bases deleted. GRCh37 (hg19): chr11:112,097,420-112,100,900.
Identifiers: ClinVar variation 5010295 (VCV005010295.1).

ClinVar aggregate classification (germline): Pathogenic (1 of 4 stars; one submission).

Conditions:
6-Pyruvoyl-tetrahydrobiopterin synthase deficiency. Also called: HYPERPHENYLALANINEMIA, TETRAHYDROBIOPTERIN-DEFICIENT, DUE TO PTS DEFICIENCY; Hyperphenylalanemia, BH4-deficient, A; Hyperphenylalaninemia due to 6-pyruvoyl-tetrahydropterin synthase deficiency; PTS DEFICIENCY; 6-Pyruvoyltetrahydropterin Synthase Deficiency; BH4-deficient hyperphenylalaninemia A. Identifiers: Orphanet 13, Orphanet 238583, MedGen C0878676, MONDO:0009863, OMIM 261640.

Submission:

Prenatal Diagnosis Center, Yancheng Maternal and Child Health Care Hospital Affiliated to Yangzhou University
Classification: Pathogenic for 6-Pyruvoyl-tetrahydrobiopterin synthase deficiency. Last evaluated: 2026-09-19. Review status: criteria provided, single submitter. Criteria: ACMG Guidelines, 2015. Collection method: clinical testing. Allele origin: germline. Affected: yes.
Comment: The c.83+171_164-31del (/) variant of the PTS gene is an exon deletion variant, which may affect polypeptide chain synthesis and have an impact on the gene function (PVS1). This variant is not included in the frequency of the variant in the population (PM2_P) in the gnomAD database. Additionally, another pathogenic or suspected pathogenic variant was detected (PM3_S). The phenotype or family history of the variant carrier highly conforms to the disease caused by the variation in this gene (PP4). According to the ACMG guidelines, this variant is classified as a pathogenic variant (PVS1 + PM2_P + PM3_S + PP4).